The following is an entry in ClinVar:

NM_025137.4(SPG11):c.1535G>A (p.Ser512Asn)

Gene: SPG11 (SPG11 vesicle trafficking associated, spatacsin; minus strand). Cytogenetic location: 15q21.1.
Variant type: single nucleotide variant.
Coding change: c.1535G>A on transcript NM_025137.4 (MANE Select); coding-DNA position 1535, G replaced by A.
Protein change: p.Ser512Asn; replaces serine 512 with asparagine.
Molecular consequence: missense variant.
Genome position (GRCh38, 1-based): chr15:44,648,933, C>T on the plus strand (G>A on the coding strand, the complement: SPG11 is on the minus strand). VCF-style: chr15-44648933-C-T. GRCh37 (hg19) VCF-style: chr15-44941131-C-T.
Other names: c.1535G>A, p.Ser512Asn (NM_001160227.2); short protein forms S512N.
Identifiers: ClinVar variation 1466994 (VCV001466994.3), dbSNP rs976041926, ClinGen allele CA270099839.

ClinVar aggregate classification (germline): Uncertain significance (1 of 4 stars; one submission).

Conditions:
Hereditary spastic paraplegia 11. Also called: Spastic Paraplegia 11; Nakamura Osame syndrome; Autosomal recessive hereditary spastic paraplegia, mental impairment, and thin corpus callosum; SPASTIC PARAPLEGIA, AUTOSOMAL RECESSIVE, COMPLICATED, WITH THIN CORPUS CALLOSUM; SPASTIC PARAPLEGIA, AUTOSOMAL RECESSIVE, WITH MENTAL IMPAIRMENT AND THIN CORPUS CALLOSUM; Spastic paraplegia, mental retardation and thin corpus callosum. Identifiers: Orphanet 2822, MedGen C1858479, MONDO:0011445, OMIM 604360.

gnomAD v4.1: 1 of 1,613,978 alleles (0.000062%); no homozygotes.

Submission:

Labcorp Genetics (formerly Invitae), Labcorp
Classification: Uncertain significance for Hereditary spastic paraplegia 11. Last evaluated: 2022-07-15. Review status: criteria provided, single submitter. Criteria: Invitae Variant Classification Sherloc (09022015). Collection method: clinical testing. Allele origin: germline.
Comment: This sequence change replaces serine, which is neutral and polar, with asparagine, which is neutral and polar, at codon 512 of the SPG11 protein (p.Ser512Asn). This variant is not present in population databases (gnomAD no frequency). This variant has not been reported in the literature in individuals affected with SPG11-related conditions. ClinVar contains an entry for this variant (Variation ID: 1466994). Algorithms developed to predict the effect of missense changes on protein structure and function are either unavailable or do not agree on the potential impact of this missense change (SIFT: "Deleterious"; PolyPhen-2: "Possibly Damaging"; Align-GVGD: "Class C0"). In summary, the available evidence is currently insufficient to determine the role of this variant in disease. Therefore, it has been classified as a Variant of Uncertain Significance.